The following is an entry in ClinVar:

NM_015100.4(POGZ):c.4049T>C (p.Ile1350Thr)

Gene: POGZ (pogo transposable element derived with ZNF domain; minus strand). Cytogenetic location: 1q21.3.
Variant type: single nucleotide variant.
Coding change: c.4049T>C on transcript NM_015100.4 (MANE Select); coding-DNA position 4049, T replaced by C.
Protein change: p.Ile1350Thr; replaces isoleucine 1350 with threonine.
Molecular consequence: missense variant.
Genome position (GRCh38, 1-based): chr1:151,404,986, A>G on the plus strand (T>C on the coding strand, the complement: POGZ is on the minus strand). VCF-style: chr1-151404986-A-G. GRCh37 (hg19) VCF-style: chr1-151377462-A-G.
Other names: c.4022T>C, p.Ile1341Thr (NM_001194937.2); c.3863T>C, p.Ile1288Thr (NM_001194938.2); c.4070T>C, p.Ile1357Thr (NM_001410860.1); c.3764T>C, p.Ile1255Thr (NM_145796.4); c.3890T>C, p.Ile1297Thr (NM_207171.2); short protein forms I1255T, I1288T, I1297T, I1341T, I1350T, I1357T.
Identifiers: ClinVar variation 4056747 (VCV004056747.1).

ClinVar aggregate classification (germline): Uncertain significance (1 of 4 stars; one submission).

Conditions:
Intellectual disability-microcephaly-strabismus-behavioral abnormalities syndrome. Also called: White-Sutton Syndrome. Identifiers: Orphanet 468678, MedGen C4225351, MONDO:0014606, OMIM 616364.

Submission:

Laboratorio de Genetica e Diagnostico Molecular, Hospital Israelita Albert Einstein
Classification: Uncertain significance for Intellectual disability-microcephaly-strabismus-behavioral abnormalities syndrome. Last evaluated: 2023-10-20. Review status: criteria provided, single submitter. Criteria: ACMG Guidelines, 2015. Collection method: clinical testing. Allele origin: germline. Affected: yes.
Comment: ACMG classification criteria: PM2 moderate, PP2 supporting, BP4 supporting